The following is an entry in ClinVar:

NM_031220.4(PITPNM3):c.425C>T (p.Thr142Met)

Gene: PITPNM3 (PITPNM family member 3; minus strand). Cytogenetic location: 17p13.2.
Variant type: single nucleotide variant.
Coding change: c.425C>T on transcript NM_031220.4 (MANE Select); coding-DNA position 425, C replaced by T.
Protein change: p.Thr142Met; replaces threonine 142 with methionine.
Molecular consequence: missense variant.
Genome position (GRCh38, 1-based): chr17:6,483,679, G>A on the plus strand (C>T on the coding strand, the complement: PITPNM3 is on the minus strand). VCF-style: chr17-6483679-G-A. GRCh37 (hg19) VCF-style: chr17-6386999-G-A.
Other names: c.317C>T, p.Thr106Met (NM_001165966.2); short protein forms T142M, T106M.
Identifiers: ClinVar variation 2980379 (VCV002980379.3), dbSNP rs749379406, ClinGen allele CA8329831.
Genomic context (GRCh38, chr17:6,483,679, plus strand): 5'-TCCAGCACGGAGCTGAAGGTGTGGATGTCGGCTGCCTTGCAGGACGGGTCCCCGGCACCC[G>A]TGTCCAGGATGTTTCCCCCATGCAGGACCAGCAGGAGGACATGTGTCTTGCAGGAGCGCT-3'
Protein context (NP_112497.2, residues 132-152): LVLHGGNILD[Thr142Met]GAGDPSCKAA

ClinVar aggregate classification (germline): Uncertain significance (1 of 4 stars; one submission).

Allele frequency attached by ClinVar (database versions not stated): TOPMed below 0.00001; ExAC 0.00002.
gnomAD v4.1: 22 of 1,614,026 alleles (0.0014%); highest among the groups gnomAD compares: Middle Eastern, 0.016%; no homozygotes.

Submission:

Labcorp Genetics (formerly Invitae), Labcorp
Classification: Uncertain significance. Last evaluated: 2024-12-13. Review status: criteria provided, single submitter. Criteria: Invitae Variant Classification Sherloc (09022015). Collection method: clinical testing. Allele origin: germline.
Comment: This sequence change replaces threonine, which is neutral and polar, with methionine, which is neutral and non-polar, at codon 142 of the PITPNM3 protein (p.Thr142Met). This variant is present in population databases (rs749379406, gnomAD 0.01%). This variant has not been reported in the literature in individuals affected with PITPNM3-related conditions. ClinVar contains an entry for this variant (Variation ID: 2980379). Invitae Evidence Modeling of protein sequence and biophysical properties (such as structural, functional, and spatial information, amino acid conservation, physicochemical variation, residue mobility, and thermodynamic stability) indicates that this missense variant is not expected to disrupt PITPNM3 protein function with a negative predictive value of 80%. In summary, the available evidence is currently insufficient to determine the role of this variant in disease. Therefore, it has been classified as a Variant of Uncertain Significance.